The following is an entry in ClinVar:

NM_005869.4(CWC27):c.670-6T>C

Gene: CWC27 (CWC27 spliceosome associated cyclophilin; plus strand). Cytogenetic location: 5q12.3.
Variant type: single nucleotide variant.
Coding change: c.670-6T>C on transcript NM_005869.4 (MANE Select); 6 bases into the intron before coding-DNA position 670, T replaced by C.
Molecular consequence: intron variant.
Genome position (GRCh38, 1-based): chr5:64,800,242, T>C. VCF-style: chr5-64800242-T-C. GRCh37 (hg19) VCF-style: chr5-64096069-T-C.
Other names: c.670-6T>C (NM_001297644.1, NM_001364478.1, NM_001318000.2 and 1 more transcripts).
Identifiers: ClinVar variation 768004 (VCV000768004.12), dbSNP rs10055003, ClinGen allele CA3282053.

ClinVar aggregate classification (germline): Benign. Review status: criteria provided, single submitter (1 of 4 stars). 2 submissions from 2 submitters: Benign (1). 1 of the submissions does not count toward it. Last evaluated 2026-02-01.

Conditions:
CWC27-related disorder. Also called: CWC27-related condition.

Allele frequency attached by ClinVar (database versions not stated): gnomAD 0.00951 and 0.00888; ExAC 0.00281; ESP Exome Variant Server 0.01146; 1000 Genomes Project 30x 0.01202; gnomAD exomes 0.00083 and 0.00232; 1000 Genomes Project 0.01038; TOPMed 0.00954.
gnomAD v4.1: 2,612 of 1,598,144 alleles (0.16%); highest among the groups gnomAD compares: African/African-American, 3%; 42 homozygotes.

Submissions (2):

Labcorp Genetics (formerly Invitae), Labcorp
Classification: Benign. Last evaluated: 2026-02-01. Review status: criteria provided, single submitter. Criteria: Invitae Variant Classification Sherloc (09022015). Collection method: clinical testing. Allele origin: germline.

PreventionGenetics, part of Exact Sciences
Classification: Benign for CWC27-related condition. Last evaluated: 2024-08-09. Review status: no assertion criteria provided. Collection method: clinical testing. Allele origin: germline. Not counted in ClinVar's aggregate classification.
Comment: This variant is classified as benign based on ACMG/AMP sequence variant interpretation guidelines (Richards et al. 2015 PMID: 25741868, with internal and published modifications).